The following is an entry in ClinVar:

NM_001378454.1(ALMS1):c.4043T>C (p.Leu1348Ser)

Gene: ALMS1 (ALMS1 centrosome and basal body associated protein; plus strand). Cytogenetic location: 2p13.1.
Variant type: single nucleotide variant.
Coding change: c.4043T>C on transcript NM_001378454.1 (MANE Select); coding-DNA position 4043, T replaced by C.
Protein change: p.Leu1348Ser; replaces leucine 1348 with serine.
Molecular consequence: missense variant.
Genome position (GRCh38, 1-based): chr2:73,450,570, T>C. VCF-style: chr2-73450570-T-C. GRCh37 (hg19) VCF-style: chr2-73677697-T-C.
Other names: c.4046T>C, p.Leu1349Ser (NM_015120.4); short protein forms L1348S, L1349S.
Identifiers: ClinVar variation 3616745 (VCV003616745.2).

ClinVar aggregate classification (germline): Uncertain significance (1 of 4 stars; one submission).

Conditions:
Alstrom syndrome (ALMS). Identifiers: Orphanet 64, MedGen C0268425, MONDO:0008763, OMIM 203800.

Submission:

Labcorp Genetics (formerly Invitae), Labcorp
Classification: Uncertain significance for Alstrom syndrome. Last evaluated: 2024-06-21. Review status: criteria provided, single submitter. Criteria: Invitae Variant Classification Sherloc (09022015). Collection method: clinical testing. Allele origin: germline.
Comment: This sequence change replaces leucine, which is neutral and non-polar, with serine, which is neutral and polar, at codon 1349 of the ALMS1 protein (p.Leu1349Ser). This variant is not present in population databases (gnomAD no frequency). This variant has not been reported in the literature in individuals affected with ALMS1-related conditions. Experimental studies and prediction algorithms are not available or were not evaluated, and the functional significance of this variant is currently unknown. In summary, the available evidence is currently insufficient to determine the role of this variant in disease. Therefore, it has been classified as a Variant of Uncertain Significance.